The following is an entry in ClinVar:

NM_001360016.2(G6PD):c.1193A>G (p.Glu398Gly)

Gene: G6PD (glucose-6-phosphate dehydrogenase; minus strand). Cytogenetic location: Xq28.
Variant type: single nucleotide variant.
Coding change: c.1193A>G on transcript NM_001360016.2 (MANE Select); coding-DNA position 1193, A replaced by G.
Protein change: p.Glu398Gly; replaces glutamic acid 398 with glycine.
Molecular consequence: missense variant.
Genome position (GRCh38, 1-based): chrX:154,532,661, T>C on the plus strand (A>G on the coding strand, the complement: G6PD is on the minus strand). VCF-style: chrX-154532661-T-C. GRCh37 (hg19) VCF-style: chrX-153760876-T-C.
Other names: G6PD Anadia; c.1283A>G, p.Glu428Gly (NM_000402.4); c.1193A>G, p.Glu398Gly (NM_001042351.3); short protein forms E398G, E428G.
Identifiers: ClinVar variation 1722620 (VCV001722620.2), dbSNP rs2523262643, ClinGen allele CA415234020.
Genomic context (GRCh38, chrX:154,532,661, plus strand): 5'-GACTCCTCGGGGTTGAAGAACATGCCCGGCTTCTTGGTCATCATCTTGGTGTACACGGCC[T>C]CGTTGGGCTGCACGCGGATCACCAGCTCGTTGCGCTTGCACTGCTGGTGGAAGATGTCGC-3'
Protein context (NP_001346945.1, residues 388-408): NELVIRVQPN[Glu398Gly]AVYTKMMTKK

ClinVar aggregate classification (germline): Likely pathogenic (1 of 4 stars; one submission).

Conditions:
Anemia, nonspherocytic hemolytic, due to G6PD deficiency (CNSHA1). Also called: Hemolytic anemia due to G6PD deficiency; Class I glucose-6-phosphate dehydrogenase deficiency; Favism, susceptibility to; ANEMIA, CONGENITAL, NONSPHEROCYTIC HEMOLYTIC, 1. Identifiers: Orphanet 466026, MedGen C2720289, MONDO:0010480, OMIM 300908.

Submission:

Dunham Lab, University of Washington
Classification: Likely pathogenic for Anemia, nonspherocytic hemolytic, due to G6PD deficiency. Last evaluated: 2022-08-12. Review status: criteria provided, single submitter. Criteria: Bayesian ACMG Guidelines, 2018. Collection method: curation. Allele origin: unknown.
Comment: Affects same amino acid as pathogenic 398E>K (ClinVar ID 804134) (PM5). Alters dimerization domain (PM1). Not found in gnomAD (PM2). Post_P 0.900 (odds of pathogenicity 81.2, Prior_P 0.1).

Literature cited by the submitters: PubMed 8807085.